The following is an entry in ClinVar:

ClinVar aggregate classification (germline): Uncertain significance (1 of 4 stars; one submission).

Allele frequency attached by ClinVar (database versions not stated): gnomAD exomes 0.00001 and 0.00002; TOPMed 0.00001.
gnomAD v4.1: 33 of 1,613,380 alleles (0.002%); highest among the groups gnomAD compares: Non-Finnish European, 0.0025%; no homozygotes.

Submission:

Labcorp Genetics (formerly Invitae), Labcorp
Classification: Uncertain significance. Last evaluated: 2021-08-28. Review status: criteria provided, single submitter. Criteria: Invitae Variant Classification Sherloc (09022015). Collection method: clinical testing. Allele origin: germline.
Comment: This sequence change replaces leucine with proline at codon 294 of the RETREG1 protein (p.Leu294Pro). The leucine residue is moderately conserved and there is a moderate physicochemical difference between leucine and proline. This variant is not present in population databases (ExAC no frequency). This variant has not been reported in the literature in individuals affected with RETREG1-related conditions. Algorithms developed to predict the effect of missense changes on protein structure and function (SIFT, PolyPhen-2, Align-GVGD) all suggest that this variant is likely to be tolerated. In summary, the available evidence is currently insufficient to determine the role of this variant in disease. Therefore, it has been classified as a Variant of Uncertain Significance.

NM_001034850.3(RETREG1):c.881T>C (p.Leu294Pro)

Gene: RETREG1 (reticulophagy regulator 1; minus strand). Cytogenetic location: 5p15.1.
Variant type: single nucleotide variant.
Coding change: c.881T>C on transcript NM_001034850.3 (MANE Select); coding-DNA position 881, T replaced by C.
Protein change: p.Leu294Pro; replaces leucine 294 with proline.
Molecular consequence: missense variant.
Genome position (GRCh38, 1-based): chr5:16,477,781, A>G on the plus strand (T>C on the coding strand, the complement: RETREG1 is on the minus strand). VCF-style: chr5-16477781-A-G. GRCh37 (hg19) VCF-style: chr5-16477890-A-G.
Other names: c.458T>C, p.Leu153Pro (NM_019000.5); short protein forms L153P, L294P.
Identifiers: ClinVar variation 1003435 (VCV001003435.6), dbSNP rs1231481315, ClinGen allele CA359258054.